The following is an entry in ClinVar:

NM_016734.3(PAX5):c.1029G>A (p.Gly343=)

Gene: PAX5 (paired box 5; minus strand). Cytogenetic location: 9p13.2.
Variant type: single nucleotide variant.
Coding change: c.1029G>A on transcript NM_016734.3 (MANE Select); coding-DNA position 1029, G replaced by A.
Protein change: p.Gly343=; no amino-acid change (glycine 343 retained).
Molecular consequence: synonymous variant. On other transcripts: missense variant (1), non-coding transcript variant (2), intron variant (5).
Genome position (GRCh38, 1-based): chr9:36,846,913, C>T on the plus strand (G>A on the coding strand, the complement: PAX5 is on the minus strand). VCF-style: chr9-36846913-C-T. GRCh37 (hg19) VCF-style: chr9-36846910-C-T.
Other names: p.Gly343=; c.927G>A, p.Gly309= (NM_001280547.2); c.797G>A, p.Gly266Glu (NM_001280549.2); c.900G>A, p.Gly300= (NM_001280554.2); c.729G>A, p.Gly243= (NM_001280555.2); c.705G>A, p.Gly235= (NM_001280556.2); c.587-6277G>A (NM_001280551.2); c.884-6277G>A (NM_001280553.2); and 3 more; short protein forms G266E.
Identifiers: ClinVar variation 135004 (VCV000135004.11), dbSNP rs35469494, ClinGen allele CA161373.
Genomic context (GRCh38, chr9:36,846,913, plus strand): 5'-CGGGTTGGGGAACCTCCAGGAGTCGTTGTACGAGGAATACTGAGGGTGGCTGTAGGGACT[C>T]CCGGAAAACTCACTCCCTGTGTATGGTGGGTGGAGAGAGAAACAGGAACCAAACGTCAAA-3'
Protein context (NP_057953.1, residues 333-353): TGMVPGSEFS[Gly343=]SPYSHPQYSS

ClinVar aggregate classification (germline): Benign/Likely benign. Review status: criteria provided, multiple submitters, no conflicts (2 of 4 stars). 6 submissions from 6 submitters: Benign (1); Likely benign (4). 1 of the submissions does not count toward it. Last evaluated 2026-02-03.

Allele frequency attached by ClinVar (database versions not stated): 1000 Genomes Project 0.01098; 1000 Genomes Project 30x 0.01124; TOPMed 0.02141; gnomAD 0.02207 and 0.02269; ExAC 0.02515; ESP Exome Variant Server 0.02691.
gnomAD v4.1: 48,169 of 1,613,108 alleles (3%); highest among the groups gnomAD compares: Middle Eastern, 4.3%; 852 homozygotes.

Submissions (6):

Labcorp Genetics (formerly Invitae), Labcorp
Classification: Benign. Last evaluated: 2026-02-03. Review status: criteria provided, single submitter. Criteria: Invitae Variant Classification Sherloc (09022015). Collection method: clinical testing. Allele origin: germline.

Mayo Clinic Laboratories, Mayo Clinic
Classification: Likely benign. Last evaluated: 2025-09-15. Review status: criteria provided, single submitter. Criteria: ACMG Guidelines, 2015. Collection method: clinical testing. Allele origin: germline. Observed: 3 variant alleles.
Comment: BS1, BP7

Blueprint Genetics
Classification: Likely benign. Last evaluated: 2024-11-27. Review status: criteria provided, single submitter. Criteria: ACMG Guidelines, 2015. Collection method: clinical testing. Allele origin: germline.

GeneDx
Classification: Likely benign. Last evaluated: 2021-04-19. Review status: criteria provided, single submitter. Criteria: GeneDx Variant Classification Process June 2021. Collection method: clinical testing. Allele origin: germline. Affected: yes.

Breakthrough Genomics
Classification: Likely benign. Review status: criteria provided, single submitter. Criteria: ACMG Guidelines, 2015. Collection method: not provided. Allele origin: germline. Inheritance: Unknown mechanism. Affected: yes.

ITMI
No classification provided. Condition: AllHighlyPenetrant. Last evaluated: 2013-09-19. Review status: no classification provided. Collection method: reference population. Allele origin: germline. Not counted in ClinVar's aggregate classification.
Comment: Please see associated publication for description of ethnicities

Literature cited by the submitters: PubMed 24728327 (cited by ITMI).